The following is an entry in ClinVar:

ClinVar aggregate classification (germline): Likely benign. Review status: criteria provided, multiple submitters, no conflicts (2 of 4 stars). 2 submissions from 2 submitters: Likely benign (2). Last evaluated 2025-12-03.

Submissions (2):

Labcorp Genetics (formerly Invitae), Labcorp
Classification: Likely benign. Last evaluated: 2025-12-03. Review status: criteria provided, single submitter. Criteria: Invitae Variant Classification Sherloc (09022015). Collection method: clinical testing. Allele origin: germline.

Mayo Clinic Laboratories, Mayo Clinic
Classification: Likely benign. Last evaluated: 2025-05-20. Review status: criteria provided, single submitter. Criteria: ACMG Guidelines, 2015. Collection method: clinical testing. Allele origin: germline. Observed: 1 variant allele.
Comment: BP4, BP7

NM_000186.4(CFH):c.1159+11del

Gene: CFH (complement factor H; plus strand). Cytogenetic location: 1q31.3.
Variant type: Deletion.
Coding change: c.1159+11del on transcript NM_000186.4 (MANE Select); 11 bases into the intron after coding-DNA position 1159, one base deleted (C; older notation c.1159+11delC).
Molecular consequence: intron variant.
Genome position (GRCh38, 1-based): chr1:196,689,625, C deleted; the last of 2 consecutive C bases (chr1:196,689,624-196,689,625); deleting either gives the same sequence. VCF-style (leftmost placement, unchanged base first): chr1-196689623-AC-A. GRCh37 (hg19) VCF-style: chr1-196658753-AC-A.
Other names: p.?; c.1159+11del (NM_001014975.3).
Identifiers: ClinVar variation 2418017 (VCV002418017.7), dbSNP rs1459868062, ClinGen allele CA528533916.